The following is an entry in ClinVar:

NM_006922.4(SCN3A):c.5731T>G (p.Phe1911Val)

Gene: SCN3A (sodium voltage-gated channel alpha subunit 3; minus strand). Cytogenetic location: 2q24.3.
Variant type: single nucleotide variant.
Coding change: c.5731T>G on transcript NM_006922.4 (MANE Select); coding-DNA position 5731, T replaced by G.
Protein change: p.Phe1911Val; replaces phenylalanine 1911 with valine.
Molecular consequence: missense variant.
Genome position (GRCh38, 1-based): chr2:165,090,422, A>C on the plus strand (T>G on the coding strand, the complement: SCN3A is on the minus strand). VCF-style: chr2-165090422-A-C. GRCh37 (hg19) VCF-style: chr2-165946932-A-C.
Other names: c.5584T>G, p.Phe1862Val (NM_001081676.2, NM_001081677.2); short protein forms F1911V, F1862V.
Identifiers: ClinVar variation 4708219 (VCV004708219.1).

ClinVar aggregate classification (germline): Uncertain significance (1 of 4 stars; one submission).

Submission:

Labcorp Genetics (formerly Invitae), Labcorp
Classification: Uncertain significance. Last evaluated: 2026-01-12. Review status: criteria provided, single submitter. Criteria: Invitae Variant Classification Sherloc (09022015). Collection method: clinical testing. Allele origin: germline.
Comment: This sequence change replaces phenylalanine, which is neutral and non-polar, with valine, which is neutral and non-polar, at codon 1911 of the SCN3A protein (p.Phe1911Val). This variant is not present in population databases (gnomAD no frequency). This variant has not been reported in the literature in individuals affected with SCN3A-related conditions. Invitae Evidence Modeling of protein sequence and biophysical properties (such as structural, functional, and spatial information, amino acid conservation, physicochemical variation, residue mobility, and thermodynamic stability) indicates that this missense variant is not expected to disrupt SCN3A protein function with a negative predictive value of 80%. In summary, the available evidence is currently insufficient to determine the role of this variant in disease. Therefore, it has been classified as a Variant of Uncertain Significance.